The following is an entry in ClinVar:

ClinVar aggregate classification (germline): Uncertain significance. Review status: criteria provided, multiple submitters, no conflicts (2 of 4 stars). 3 submissions from 3 submitters: Uncertain significance (3). Last evaluated 2023-04-11.

Conditions:
Developmental and epileptic encephalopathy, 18 (DEE18). Also called: Early infantile epileptic encephalopathy 18. Identifiers: Orphanet 369894, MedGen C3809624, MONDO:0014201, OMIM 615476.
Inborn genetic diseases. Identifiers: MedGen C0950123, MeSH D030342.

Allele frequency attached by ClinVar (database versions not stated): gnomAD exomes below 0.00001.
gnomAD v4.1: 1 of 1,582,814 alleles (0.000063%); highest among the groups gnomAD compares: Admixed American, 0.0017%; no homozygotes.

Submissions (3):

Genome-Nilou Lab
Classification: Uncertain significance for Developmental and epileptic encephalopathy, 18. Last evaluated: 2023-04-11. Review status: criteria provided, single submitter. Criteria: ACMG Guidelines, 2015. Collection method: clinical testing. Allele origin: germline. Affected: no.

Labcorp Genetics (formerly Invitae), Labcorp
Classification: Uncertain significance. Last evaluated: 2020-03-12. Review status: criteria provided, single submitter. Criteria: Invitae Variant Classification Sherloc (09022015). Collection method: clinical testing. Allele origin: germline.
Comment: In summary, the available evidence is currently insufficient to determine the role of this variant in disease. Therefore, it has been classified as a Variant of Uncertain Significance. Algorithms developed to predict the effect of missense changes on protein structure and function are either unavailable or do not agree on the potential impact of this missense change (SIFT: "Deleterious"; PolyPhen-2: "Probably Damaging"; Align-GVGD: "Class C0"). This variant has not been reported in the literature in individuals with SZT2-related conditions. This variant is not present in population databases (ExAC no frequency). This sequence change replaces glutamine with proline at codon 731 of the SZT2 protein (p.Gln731Pro). The glutamine residue is moderately conserved and there is a moderate physicochemical difference between glutamine and proline.

Ambry Genetics
Classification: Uncertain significance for Inborn genetic diseases. Last evaluated: 2019-08-27. Review status: criteria provided, single submitter. Criteria: Ambry Variant Classification Scheme 2023. Collection method: clinical testing. Allele origin: germline.
Comment: The p.Q731P variant (also known as c.2192A>C), located in coding exon 15 of the SZT2 gene, results from an A to C substitution at nucleotide position 2192. The glutamine at codon 731 is replaced by proline, an amino acid with similar properties. This amino acid position is not well conserved in available vertebrate species. In addition, this alteration is predicted to be tolerated by in silico analysis. Since supporting evidence is limited at this time, the clinical significance of this alteration remains unclear.

NM_001365999.1(SZT2):c.2192A>C (p.Gln731Pro)

Gene: SZT2 (SZT2 subunit of KICSTOR complex; plus strand). Cytogenetic location: 1p34.2.
Variant type: single nucleotide variant.
Coding change: c.2192A>C on transcript NM_001365999.1 (MANE Select); coding-DNA position 2192, A replaced by C.
Protein change: p.Gln731Pro; replaces glutamine 731 with proline.
Molecular consequence: missense variant.
Genome position (GRCh38, 1-based): chr1:43,423,253, A>C. VCF-style: chr1-43423253-A-C. GRCh37 (hg19) VCF-style: chr1-43888924-A-C.
Other names: c.2192A>C, p.Gln731Pro (NM_015284.4); short protein forms Q731P.
Identifiers: ClinVar variation 999137 (VCV000999137.10), dbSNP rs1400348138, ClinGen allele CA340011336.